The following is an entry in ClinVar:

ClinVar aggregate classification (germline): Benign/Likely benign. Review status: criteria provided, multiple submitters, no conflicts (2 of 4 stars). 3 submissions from 3 submitters: Benign (2); Likely benign (1). Last evaluated 2026-01-24.

Allele frequency attached by ClinVar (database versions not stated): 1000 Genomes Project 30x 0.00578; 1000 Genomes Project 0.00599; TOPMed 0.00614; gnomAD exomes 0.00623 and 0.00840; ESP Exome Variant Server 0.00692; ExAC 0.00821; gnomAD 0.00886 and 0.00916.
gnomAD v4.1: 10,403 of 1,602,224 alleles (0.65%); highest among the groups gnomAD compares: African/African-American, 0.74%; 75 homozygotes.

Submissions (3):

Labcorp Genetics (formerly Invitae), Labcorp
Classification: Benign. Last evaluated: 2026-01-24. Review status: criteria provided, single submitter. Criteria: Invitae Variant Classification Sherloc (09022015). Collection method: clinical testing. Allele origin: germline.

GeneDx
Classification: Likely benign. Last evaluated: 2019-08-03. Review status: criteria provided, single submitter. Criteria: GeneDx Variant Classification Process June 2021. Collection method: clinical testing. Allele origin: germline. Affected: yes.
Comment: See Variant Classification Assertion Criteria.

Breakthrough Genomics
Classification: Benign. Review status: criteria provided, single submitter. Criteria: ACMG Guidelines, 2015. Collection method: not provided. Allele origin: germline. Inheritance: Autosomal recessive inheritance. Affected: yes.

NM_030780.5(SLC25A32):c.812+20C>A

Gene: SLC25A32 (solute carrier family 25 member 32; minus strand). Cytogenetic location: 8q22.3.
Variant type: single nucleotide variant.
Coding change: c.812+20C>A on transcript NM_030780.5 (MANE Select); 20 bases into the intron after coding-DNA position 812, C replaced by A.
Molecular consequence: intron variant.
Genome position (GRCh38, 1-based): chr8:103,401,496, G>T on the plus strand (C>A on the coding strand, the complement: SLC25A32 is on the minus strand). VCF-style: chr8-103401496-G-T. GRCh37 (hg19) VCF-style: chr8-104413724-G-T.
Identifiers: ClinVar variation 1600030 (VCV001600030.11), dbSNP rs59283978, ClinGen allele CA4835362.